The following is an entry in ClinVar:

NM_014003.4(DHX38):c.2285A>C (p.Glu762Ala)

Gene: DHX38 (DEAH-box helicase 38; plus strand). Cytogenetic location: 16q22.2.
Variant type: single nucleotide variant.
Coding change: c.2285A>C on transcript NM_014003.4 (MANE Select); coding-DNA position 2285, A replaced by C.
Protein change: p.Glu762Ala; replaces glutamic acid 762 with alanine.
Molecular consequence: missense variant.
Genome position (GRCh38, 1-based): chr16:72,105,254, A>C. VCF-style: chr16-72105254-A-C. GRCh37 (hg19) VCF-style: chr16-72139153-A-C.
Other names: short protein forms E762A.
Identifiers: ClinVar variation 2026766 (VCV002026766.4), dbSNP rs756701702, ClinGen allele CA396711812.

ClinVar aggregate classification (germline): Uncertain significance (1 of 4 stars; one submission).

gnomAD v4.1: 1 of 1,613,954 alleles (0.000062%); highest among the groups gnomAD compares: Non-Finnish European, 0.000085%; no homozygotes.

Submission:

Labcorp Genetics (formerly Invitae), Labcorp
Classification: Uncertain significance. Last evaluated: 2021-12-02. Review status: criteria provided, single submitter. Criteria: Invitae Variant Classification Sherloc (09022015). Collection method: clinical testing. Allele origin: germline.
Comment: This sequence change replaces glutamic acid, which is acidic and polar, with alanine, which is neutral and non-polar, at codon 762 of the DHX38 protein (p.Glu762Ala). This variant is present in population databases (no rsID available, gnomAD 0.0009%). This variant has not been reported in the literature in individuals affected with DHX38-related conditions. Algorithms developed to predict the effect of missense changes on protein structure and function (SIFT, PolyPhen-2, Align-GVGD) all suggest that this variant is likely to be disruptive. In summary, the available evidence is currently insufficient to determine the role of this variant in disease. Therefore, it has been classified as a Variant of Uncertain Significance.